The following is an entry in ClinVar:

ClinVar aggregate classification (germline): Uncertain significance (1 of 4 stars; one submission).

Conditions:
Fanconi-Bickel syndrome (FBS). Also called: Glycogen storage disease due to GLUT2 deficiency; PSEUDO-PHLORIZIN DIABETES; FANCONI SYNDROME WITH INTESTINAL MALABSORPTION AND GALACTOSE INTOLERANCE; HEPATIC GLYCOGENOSIS WITH AMINO ACIDURIA AND GLUCOSURIA; HEPATIC GLYCOGENOSIS WITH FANCONI NEPHROPATHY; HEPATORENAL GLYCOGENOSIS WITH RENAL FANCONI SYNDROME. Identifiers: Orphanet 2088, MedGen C3495427, MONDO:0009216, OMIM 227810.

Submission:

Labcorp Genetics (formerly Invitae), Labcorp
Classification: Uncertain significance for Fanconi-Bickel syndrome. Last evaluated: 2022-06-23. Review status: criteria provided, single submitter. Criteria: Invitae Variant Classification Sherloc (09022015). Collection method: clinical testing. Allele origin: germline.
Comment: This sequence change replaces valine, which is neutral and non-polar, with leucine, which is neutral and non-polar, at codon 423 of the SLC2A2 protein (p.Val423Leu). In summary, the available evidence is currently insufficient to determine the role of this variant in disease. Therefore, it has been classified as a Variant of Uncertain Significance. Algorithms developed to predict the effect of missense changes on protein structure and function are either unavailable or do not agree on the potential impact of this missense change (SIFT: "Tolerated"; PolyPhen-2: "Probably Damaging"; Align-GVGD: "Class C0"). This variant has not been reported in the literature in individuals affected with SLC2A2-related conditions. This variant is not present in population databases (gnomAD no frequency).

NM_000340.2(SLC2A2):c.1267G>T (p.Val423Leu)

Gene: SLC2A2 (solute carrier family 2 member 2; minus strand). Cytogenetic location: 3q26.2.
Variant type: single nucleotide variant.
Coding change: c.1267G>T on transcript NM_000340.2 (MANE Select); coding-DNA position 1267, G replaced by T.
Protein change: p.Val423Leu; replaces valine 423 with leucine.
Molecular consequence: missense variant.
Genome position (GRCh38, 1-based): chr3:170,998,300, C>A on the plus strand (G>T on the coding strand, the complement: SLC2A2 is on the minus strand). VCF-style: chr3-170998300-C-A. GRCh37 (hg19) VCF-style: chr3-170716089-C-A.
Other names: c.910G>T, p.Val304Leu (NM_001278658.2); c.748G>T, p.Val250Leu (NM_001278659.2); short protein forms V250L, V423L, V304L.
Identifiers: ClinVar variation 2009854 (VCV002009854.4), dbSNP rs2473882137, ClinGen allele CA355485876.